The following is an entry in ClinVar:

ClinVar aggregate classification (germline): not provided (0 of 4 stars; one submission).

Allele frequency attached by ClinVar (database versions not stated): gnomAD 0.00001.
gnomAD v4.1: 1 of 1,601,432 alleles (0.000062%); highest among the groups gnomAD compares: Non-Finnish European, 0.000086%; no homozygotes.

Submission:

Human Evolutionary Genetics, Institut Pasteur
No classification provided. Review status: no classification provided. Collection method: not provided. Allele origin: germline.
ClinVar note: Converted during submission from untested to not provided.

NM_001384950.1(NLRC5):c.3596+42T>A

Gene: NLRC5 (NLR family CARD domain containing 5; plus strand). Cytogenetic location: 16q13.
Variant type: single nucleotide variant.
Coding change: c.3596+42T>A on transcript NM_001384950.1 (MANE Select); 42 bases into the intron after coding-DNA position 3596, T replaced by A.
Molecular consequence: intron variant.
Genome position (GRCh38, 1-based): chr16:57,054,882, T>A. VCF-style: chr16-57054882-T-A. GRCh37 (hg19) VCF-style: chr16-57088794-T-A.
Other names: c.3596+42T>A (NM_001384954.1, NM_001384953.1, NM_001384957.1 and 16 more transcripts); c.3422+42T>A (NM_001384960.1); c.3506+42T>A (NM_001384967.1, NM_001384968.1); c.3512+42T>A (NM_001384965.1); c.3356+42T>A (NM_001384972.1).
Identifiers: ClinVar variation 103184 (VCV000103184.2), dbSNP rs199475999, ClinGen allele CA230230.